The following is an entry in ClinVar:

ClinVar aggregate classification (germline): Pathogenic. Review status: criteria provided, multiple submitters, no conflicts (2 of 4 stars). 2 submissions from 2 submitters: Pathogenic (2). Last evaluated 2023-05-15.

Conditions:
Familial adenomatous polyposis 1 (FAP1). Also called: POLYPOSIS, ADENOMATOUS INTESTINAL; FAMILIAL ADENOMATOUS POLYPOSIS 1, ATTENUATED. Identifiers: MedGen C2713442, MONDO:0021056, OMIM 175100. Disease mechanism: loss of function.

Submissions (2):

Myriad Genetics, Inc.
Classification: Pathogenic for Familial adenomatous polyposis 1. Last evaluated: 2023-05-15. Review status: criteria provided, single submitter. Criteria: Myriad Autosomal Dominant, Autosomal Recessive and X-Linked Classification Criteria (2023). Collection method: clinical testing. Allele origin: unknown.
Comment: This variant is considered pathogenic. This variant creates a frameshift predicted to result in premature protein truncation.

Labcorp Genetics (formerly Invitae), Labcorp
Classification: Pathogenic for Familial adenomatous polyposis 1. Last evaluated: 2023-04-17. Review status: criteria provided, single submitter. Criteria: Invitae Variant Classification Sherloc (09022015). Collection method: clinical testing. Allele origin: germline.
Comment: This variant is expected to disrupt the EB1 and HDLG binding sites, which mediate interactions with the cytoskeleton (PMID: 15311282, 17293347). While functional studies have not been performed to directly test the effect on APC protein function, this suggests that disruption of the C-terminal portion of the protein is functionally important. For these reasons, this variant has been classified as Pathogenic. A different truncation (p.Tyr2645Lysfs*14) that lies downstream of this variant has been determined to be pathogenic (PMID: 9824584, 1316610, 27081525, 8381579, 22135120, Invitae). This suggests that deletion of this region of the APC protein is causative of disease. This variant has not been reported in the literature in individuals affected with APC-related conditions. This variant is not present in population databases (gnomAD no frequency). This sequence change creates a premature translational stop signal (p.Lys2051Glufs*9) in the APC gene. While this is not anticipated to result in nonsense mediated decay, it is expected to disrupt the last 793 amino acid(s) of the APC protein.

Literature cited by the submitters: PubMed 15311282 (cited by Labcorp Genetics (formerly Invitae), Labcorp); PubMed 17293347 (cited by Labcorp Genetics (formerly Invitae), Labcorp); PubMed 9824584 (cited by Labcorp Genetics (formerly Invitae), Labcorp); PubMed 1316610 (cited by Labcorp Genetics (formerly Invitae), Labcorp); PubMed 27081525 (cited by Labcorp Genetics (formerly Invitae), Labcorp); PubMed 8381579 (cited by Labcorp Genetics (formerly Invitae), Labcorp); PubMed 22135120 (cited by Labcorp Genetics (formerly Invitae), Labcorp).

NM_000038.6(APC):c.6149dup (p.Lys2051fs)

Gene: APC (APC regulator of Wnt signaling pathway; plus strand). Cytogenetic location: 5q22.2.
Variant type: Duplication.
Coding change: c.6149dup on transcript NM_000038.6 (MANE Select); coding-DNA position 6149, one base duplicated (A; older notation c.6149dupA).
Protein change: p.Lys2051fs; shifts the reading frame from lysine 2051.
Molecular consequence: frameshift variant. On other transcripts: non-coding transcript variant (2).
Genome position (GRCh38, 1-based): chr5:112,841,743, A duplicated; the last of 6 consecutive A bases (chr5:112,841,738-112,841,743); duplicating any one gives the same sequence. VCF-style (leftmost placement, unchanged base first): chr5-112841737-C-CA. GRCh37 (hg19) VCF-style: chr5-112177434-C-CA.
Other names: c.6149dup, p.Lys2051fs (NM_001127510.3, NM_001354895.2, NM_001407450.1); c.6095dup, p.Lys2033fs (NM_001127511.3); c.6203dup, p.Lys2069fs (NM_001354896.2, NM_001407447.1, NM_001407448.1 and 1 more transcripts); c.6179dup, p.Lys2061fs (NM_001354897.2); c.6074dup, p.Lys2026fs (NM_001354898.2); c.6065dup, p.Lys2023fs (NM_001354899.2); c.6026dup, p.Lys2010fs (NM_001354900.2); c.5972dup, p.Lys1992fs (NM_001354901.2, NM_001407453.1); and 11 more; short protein forms K1667fs, K1768fs, K1891fs, K1922fs, K1925fs, K1950fs, K1960fs, K1968fs.
Identifiers: ClinVar variation 2583526 (VCV002583526.4), dbSNP rs1561605464, ClinGen allele CA645543995.